The following is an entry in ClinVar:

ClinVar aggregate classification (germline): Uncertain significance (1 of 4 stars; one submission).

Submission:

Quest Diagnostics Nichols Institute San Juan Capistrano
Classification: Uncertain significance. Last evaluated: 2025-02-11. Review status: criteria provided, single submitter. Criteria: Quest Diagnostics criteria. Collection method: clinical testing. Allele origin: unknown.
Comment: The APOB c.7881A>T (p.Pro2627=) synonymous variant has not been reported in individuals with APOB-related conditions in the published literature. It also has not been reported in large, multi-ethnic general populations (Genome Aggregation Database). Analysis of this variant using software algorithms for the prediction of the effect of nucleotide changes on splicing yielded predictions that this variant does not affect APOB mRNA splicing. Based on the available information, we are unable to determine the clinical significance of this variant.

NM_000384.3(APOB):c.7881A>T (p.Pro2627=)

Gene: APOB (apolipoprotein B; minus strand). Cytogenetic location: 2p24.1.
Variant type: single nucleotide variant.
Coding change: c.7881A>T on transcript NM_000384.3 (MANE Select); coding-DNA position 7881, A replaced by T.
Protein change: p.Pro2627=; no amino-acid change (proline 2627 retained).
Molecular consequence: synonymous variant.
Genome position (GRCh38, 1-based): chr2:21,008,987, T>A on the plus strand (A>T on the coding strand, the complement: APOB is on the minus strand). VCF-style: chr2-21008987-T-A. GRCh37 (hg19) VCF-style: chr2-21231859-T-A.
Identifiers: ClinVar variation 4532943 (VCV004532943.1).